The following is an entry in ClinVar:

NM_002691.4(POLD1):c.2240C>A (p.Thr747Asn)

Gene: POLD1 (DNA polymerase delta 1, catalytic subunit; plus strand). Cytogenetic location: 19q13.33.
Variant type: single nucleotide variant.
Coding change: c.2240C>A on transcript NM_002691.4 (MANE Select); coding-DNA position 2240, C replaced by A.
Protein change: p.Thr747Asn; replaces threonine 747 with asparagine.
Molecular consequence: missense variant. On other transcripts: non-coding transcript variant (1).
Genome position (GRCh38, 1-based): chr19:50,413,511, C>A. VCF-style: chr19-50413511-C-A. GRCh37 (hg19) VCF-style: chr19-50916768-C-A.
Other names: c.2240C>A, p.Thr747Asn (NM_001256849.1); c.2318C>A, p.Thr773Asn (NM_001308632.1); short protein forms T747N, T773N.
Identifiers: ClinVar variation 3222716 (VCV003222716.1), dbSNP rs1226705173, ClinGen allele CA406983813.

ClinVar aggregate classification (germline): Uncertain significance (1 of 4 stars; one submission).

Conditions:
Hereditary cancer-predisposing syndrome. Also called: Tumor predisposition; Hereditary neoplastic syndrome; Hereditary Cancer Syndrome; Neoplastic Syndromes, Hereditary. Identifiers: Orphanet 140162, MedGen C0027672, MeSH D009386, MONDO:0015356.

Allele frequency attached by ClinVar (database versions not stated): gnomAD exomes below 0.00001.
gnomAD v4.1: 1 of 1,609,568 alleles (0.000062%); highest among the groups gnomAD compares: African/African-American, 0.0013%; no homozygotes.

Submission:

Ambry Genetics
Classification: Uncertain significance for Hereditary cancer-predisposing syndrome. Last evaluated: 2024-02-05. Review status: criteria provided, single submitter. Criteria: Ambry Variant Classification Scheme 2023. Collection method: clinical testing. Allele origin: germline.
Comment: The p.T747N variant (also known as c.2240C>A), located in coding exon 17 of the POLD1 gene, results from a C to A substitution at nucleotide position 2240. The threonine at codon 747 is replaced by asparagine, an amino acid with similar properties. This amino acid position is conserved. In addition, this alteration is predicted to be tolerated by in silico analysis. Based on the available evidence, the clinical significance of this alteration remains unclear.